The following is an entry in ClinVar:

ClinVar aggregate classification (germline): Uncertain significance. Review status: criteria provided, multiple submitters, no conflicts (2 of 4 stars). 2 submissions from 2 submitters: Uncertain significance (2). Last evaluated 2025-01-27.

Allele frequency attached by ClinVar (database versions not stated): gnomAD exomes below 0.00001; ExAC 0.00001.
gnomAD v4.1: 1 of 1,613,738 alleles (0.000062%); highest among the groups gnomAD compares: Admixed American, 0.0017%; no homozygotes.

Submissions (2):

Labcorp Genetics (formerly Invitae), Labcorp
Classification: Uncertain significance. Last evaluated: 2025-01-27. Review status: criteria provided, single submitter. Criteria: Invitae Variant Classification Sherloc (09022015). Collection method: clinical testing. Allele origin: germline.
Comment: This sequence change replaces histidine, which is basic and polar, with arginine, which is basic and polar, at codon 291 of the PDSS2 protein (p.His291Arg). This variant is present in population databases (rs766749567, gnomAD 0.006%). This variant has not been reported in the literature in individuals affected with PDSS2-related conditions. ClinVar contains an entry for this variant (Variation ID: 1948829). Invitae Evidence Modeling of protein sequence and biophysical properties (such as structural, functional, and spatial information, amino acid conservation, physicochemical variation, residue mobility, and thermodynamic stability) indicates that this missense variant is not expected to disrupt PDSS2 protein function with a negative predictive value of 80%. In summary, the available evidence is currently insufficient to determine the role of this variant in disease. Therefore, it has been classified as a Variant of Uncertain Significance.

Mayo Clinic Laboratories, Mayo Clinic
Classification: Uncertain significance. Last evaluated: 2023-03-22. Review status: criteria provided, single submitter. Criteria: ACMG Guidelines, 2015. Collection method: clinical testing. Allele origin: germline. Observed: 1 variant allele.

NM_020381.4(PDSS2):c.872A>G (p.His291Arg)

Gene: PDSS2 (decaprenyl diphosphate synthase subunit 2; minus strand). Cytogenetic location: 6q21.
Variant type: single nucleotide variant.
Coding change: c.872A>G on transcript NM_020381.4 (MANE Select); coding-DNA position 872, A replaced by G.
Protein change: p.His291Arg; replaces histidine 291 with arginine.
Molecular consequence: missense variant.
Genome position (GRCh38, 1-based): chr6:107,212,113, T>C on the plus strand (A>G on the coding strand, the complement: PDSS2 is on the minus strand). VCF-style: chr6-107212113-T-C. GRCh37 (hg19) VCF-style: chr6-107533317-T-C.
Other names: p.His291Arg; short protein forms H291R.
Identifiers: ClinVar variation 1948829 (VCV001948829.6), dbSNP rs766749567, ClinGen allele CA3945999.
Genomic context (GRCh38, chr6:107,212,113, plus strand): 5'-TGTGTGTCGTTTTAGCTATTTAAGTACTGAAAAAAGATAAAGGGTGTGCAAAGTACCTTA[T>C]GACTCATGGCCATGTGCTTCCCATACTGAAATGCCATATTCTGAACCTCAGCATCATGCT-3'
Protein context (NP_065114.3, residues 281-301): FQYGKHMAMS[His291Arg]KINSDVQPFI